The following is an entry in ClinVar:

ClinVar aggregate classification (germline): Uncertain significance (1 of 4 stars; one submission).

gnomAD v4.1: 4 of 1,613,974 alleles (0.00025%); highest among the groups gnomAD compares: South Asian, 0.0033%; no homozygotes.

Submission:

GeneDx
Classification: Uncertain significance. Last evaluated: 2025-05-18. Review status: criteria provided, single submitter. Criteria: GeneDx Variant Classification Process June 2021. Collection method: clinical testing. Allele origin: germline. Affected: yes.
Comment: Not observed at significant frequency in large population cohorts (gnomAD); In silico analysis suggests that this missense variant does not alter protein structure/function; Has not been previously published as pathogenic or benign to our knowledge

NM_052867.4(NALCN):c.4903G>C (p.Glu1635Gln)

Gene: NALCN (sodium leak channel, non-selective; minus strand). Cytogenetic location: 13q32.3.
Variant type: single nucleotide variant.
Coding change: c.4903G>C on transcript NM_052867.4 (MANE Select); coding-DNA position 4903, G replaced by C.
Protein change: p.Glu1635Gln; replaces glutamic acid 1635 with glutamine.
Molecular consequence: missense variant.
Genome position (GRCh38, 1-based): chr13:101,059,820, C>G on the plus strand (G>C on the coding strand, the complement: NALCN is on the minus strand). VCF-style: chr13-101059820-C-G. GRCh37 (hg19) VCF-style: chr13-101712172-C-G.
Other names: c.4990G>C, p.Glu1664Gln (NM_001350748.2); c.4903G>C, p.Glu1635Gln (NM_001350749.2); c.4816G>C, p.Glu1606Gln (NM_001350750.2, NM_001350751.2); short protein forms E1606Q, E1635Q, E1664Q.
Identifiers: ClinVar variation 4531085 (VCV004531085.1).
Genomic context (GRCh38, chr13:101,059,820, plus strand): 5'-TATTAAAAGAAAGAAGCCCACAGAGTGTCCTGGGACAGAGGACGCCTCGTGCCCATACCT[C>G]AGGTTGCATGCTGTTGTCCTGACTGTTGGCATTCGTGTCCTCACTGGGCTGGGTGGTCTC-3'
Protein context (NP_443099.1, residues 1625-1645): ANSQDNSMQP[Glu1635Gln]TSSQQQLLSP